The following is an entry in ClinVar:

NM_000632.4(ITGAM):c.2096G>A (p.Arg699His)

Gene: ITGAM (integrin subunit alpha M; plus strand). Cytogenetic location: 16p11.2.
Variant type: single nucleotide variant.
Coding change: c.2096G>A on transcript NM_000632.4 (MANE Select); coding-DNA position 2096, G replaced by A.
Protein change: p.Arg699His; replaces arginine 699 with histidine.
Molecular consequence: missense variant.
Genome position (GRCh38, 1-based): chr16:31,324,492, G>A. VCF-style: chr16-31324492-G-A. GRCh37 (hg19) VCF-style: chr16-31335813-G-A.
Other names: c.2099G>A, p.Arg700His (NM_001145808.2); short protein forms R699H, R700H.
Identifiers: ClinVar variation 2233942 (VCV002233942.5), dbSNP rs760122822, ClinGen allele CA8025730.

ClinVar aggregate classification (germline): Uncertain significance. Review status: criteria provided, multiple submitters, no conflicts (2 of 4 stars). 2 submissions from 2 submitters: Uncertain significance (2). Last evaluated 2025-03-10.

Allele frequency attached by ClinVar (database versions not stated): gnomAD 0.00001; TOPMed 0.00002.

Submissions (2):

Labcorp Genetics (formerly Invitae), Labcorp
Classification: Uncertain significance. Last evaluated: 2025-03-10. Review status: criteria provided, single submitter. Criteria: Invitae Variant Classification Sherloc (09022015). Collection method: clinical testing. Allele origin: germline.
Comment: This sequence change replaces arginine, which is basic and polar, with histidine, which is basic and polar, at codon 699 of the ITGAM protein (p.Arg699His). The frequency data for this variant in the population databases is considered unreliable, as metrics indicate poor data quality at this position in the gnomAD database. This variant has not been reported in the literature in individuals affected with ITGAM-related conditions. ClinVar contains an entry for this variant (Variation ID: 2233942). An algorithm developed to predict the effect of missense changes on protein structure and function outputs the following: PolyPhen-2: "Benign". The histidine amino acid residue is found in multiple mammalian species, which suggests that this missense change does not adversely affect protein function. In summary, the available evidence is currently insufficient to determine the role of this variant in disease. Therefore, it has been classified as a Variant of Uncertain Significance.

Ambry Genetics
Classification: Uncertain significance. Last evaluated: 2022-06-27. Review status: criteria provided, single submitter. Criteria: Ambry Variant Classification Scheme 2023. Collection method: clinical testing. Allele origin: germline.